The following is an entry in ClinVar:

NM_000337.6(SGCD):c.815T>G (p.Phe272Cys)

Gene: SGCD (sarcoglycan delta; plus strand). Cytogenetic location: 5q33.3.
Variant type: single nucleotide variant.
Coding change: c.815T>G on transcript NM_000337.6 (MANE Select); coding-DNA position 815, T replaced by G.
Protein change: p.Phe272Cys; replaces phenylalanine 272 with cysteine.
Molecular consequence: missense variant.
Genome position (GRCh38, 1-based): chr5:156,759,332, T>G. VCF-style: chr5-156759332-T-G. GRCh37 (hg19) VCF-style: chr5-156186343-T-G.
Other names: c.812T>G, p.Phe271Cys (NM_001128209.2); short protein forms F271C, F272C.
Identifiers: ClinVar variation 2047969 (VCV002047969.4), dbSNP rs2480211122, ClinGen allele CA362009583.

ClinVar aggregate classification (germline): Uncertain significance (1 of 4 stars; one submission).

Conditions:
Autosomal recessive limb-girdle muscular dystrophy type 2F (LGMDR6). Also called: MUSCULAR DYSTROPHY, LIMB-GIRDLE, AUTOSOMAL RECESSIVE 6; Muscular dystrophy limb-girdle with delta-sarcoglyan deficiency. Identifiers: Orphanet 219, MedGen C1832525, MONDO:0011028, OMIM 601287. Disease mechanism: Affects gamma-sarcoglycan and also disrupts the integrity of the entire sarcoglycan complex..

Submission:

Labcorp Genetics (formerly Invitae), Labcorp
Classification: Uncertain significance for Autosomal recessive limb-girdle muscular dystrophy type 2F. Last evaluated: 2022-06-10. Review status: criteria provided, single submitter. Criteria: Invitae Variant Classification Sherloc (09022015). Collection method: clinical testing. Allele origin: germline.
Comment: In summary, the available evidence is currently insufficient to determine the role of this variant in disease. Therefore, it has been classified as a Variant of Uncertain Significance. Algorithms developed to predict the effect of missense changes on protein structure and function are either unavailable or do not agree on the potential impact of this missense change (SIFT: "Deleterious"; PolyPhen-2: "Probably Damaging"; Align-GVGD: "Class C0"). This variant has not been reported in the literature in individuals affected with SGCD-related conditions. This variant is not present in population databases (gnomAD no frequency). This sequence change replaces phenylalanine, which is neutral and non-polar, with cysteine, which is neutral and slightly polar, at codon 272 of the SGCD protein (p.Phe272Cys).